The following is an entry in ClinVar:

NM_001164508.2(NEB):c.25509G>A (p.Trp8503Ter)

Genes: RIF1 (replication timing regulatory factor 1; plus strand), NEB (nebulin; minus strand). Cytogenetic location: 2q23.3.
Variant type: single nucleotide variant.
Coding change: c.25509G>A on transcript NM_001164508.2 (MANE Select); coding-DNA position 25509, G replaced by A.
Protein change: p.Trp8503Ter; replaces tryptophan 8503 with a stop codon.
Molecular consequence: nonsense.
Genome position (GRCh38, 1-based): chr2:151,485,829, C>T on the plus strand (G>A on the coding strand, the complement: NEB is on the minus strand). VCF-style: chr2-151485829-C-T. GRCh37 (hg19) VCF-style: chr2-152342343-C-T.
Other names: c.25509G>A, p.Trp8503Ter (NM_001164507.2); c.25614G>A, p.Trp8538Ter (NM_001271208.2); c.19941G>A, p.Trp6647Ter (NM_004543.5); short protein forms W6647*, W8503*, W8538*.
Identifiers: ClinVar variation 2428086 (VCV002428086.7), dbSNP rs756659726, ClinGen allele CA1905693.

ClinVar aggregate classification (germline): Uncertain significance. Review status: criteria provided, multiple submitters, no conflicts (2 of 4 stars). 2 submissions from 2 submitters: Uncertain significance (2). Last evaluated 2022-09-27.

Conditions:
Nemaline myopathy 2 (NEM2). Also called: Nemaline myopathy 2, autosomal recessive. Identifiers: MedGen C1850569, MONDO:0009725, OMIM 256030.

Allele frequency attached by ClinVar (database versions not stated): gnomAD exomes below 0.00001; ExAC 0.00001; gnomAD 0.00001.
gnomAD v4.1: 5 of 1,614,032 alleles (0.00031%); highest among the groups gnomAD compares: Non-Finnish European, 0.00042%; no homozygotes.

Submissions (2):

Revvity Omics, Revvity
Classification: Uncertain significance. Last evaluated: 2022-09-27. Review status: criteria provided, single submitter. Criteria: ACMG Guidelines, 2015. Collection method: clinical testing. Allele origin: germline.

Labcorp Genetics (formerly Invitae), Labcorp
Classification: Uncertain significance for Nemaline myopathy 2. Last evaluated: 2022-03-19. Review status: criteria provided, single submitter. Criteria: Invitae Variant Classification Sherloc (09022015). Collection method: clinical testing. Allele origin: germline.
Comment: This sequence change creates a premature translational stop signal (p.Trp8538*) in the NEB gene. While this is not anticipated to result in nonsense mediated decay, it is expected to disrupt the last 23 amino acid(s) of the NEB protein. This variant is present in population databases (rs756659726, gnomAD 0.002%). This variant has not been reported in the literature in individuals affected with NEB-related conditions. In summary, the available evidence is currently insufficient to determine the role of this variant in disease. Therefore, it has been classified as a Variant of Uncertain Significance.